The following is an entry in ClinVar:

ClinVar aggregate classification (germline): Pathogenic/Likely pathogenic. Review status: criteria provided, multiple submitters, no conflicts (2 of 4 stars). 9 submissions from 9 submitters: Pathogenic (7); Likely pathogenic (1). 1 of the submissions does not count toward it. Last evaluated 2025-12-30.

Conditions:
ABCC8-related disorder.
Hereditary hyperinsulinism.
Diabetes mellitus, permanent neonatal 3. Also called: ABCC8-Related Permanent Neonatal Diabetes Mellitus. Identifiers: MedGen C5394303, MONDO:0030088, OMIM 618857.
Type 2 diabetes mellitus. Also called: Type II diabetes mellitus. Identifiers: MedGen C0011860, MeSH D003924, MONDO:0005148, OMIM 125853, HP:0005978.
Leucine-induced hypoglycemia (LIH). Also called: LEUCINE-SENSITIVE HYPOGLYCEMIA OF INFANCY. Identifiers: MedGen C0271714, MONDO:0009415, OMIM 240800.
Hyperinsulinemic hypoglycemia, familial, 1 (HHF1). Also called: Persistent hyperinsulinemic hypoglycemia of infancy; NESIDIOBLASTOSIS OF PANCREAS; Persistent Hyperinsulinemia Hypoglycemia of Infancy; HYPERINSULINISM, FAMILIAL, WITH PANCREATIC NESIDIOBLASTOSIS; HYPOGLYCEMIA, HYPERINSULINEMIC, OF INFANCY. Identifiers: Orphanet 276575, Orphanet 276598, MedGen C2931832, MONDO:0009734, OMIM 256450.
Diabetes mellitus, transient neonatal, 2 (TNDM2). Identifiers: Orphanet 99886, MedGen C1835887, MONDO:0012480, OMIM 610374. Disease mechanism: loss of function.
Familial hyperinsulinism. Also called: Congenital hyperinsulinism. Identifiers: Orphanet 276525, MedGen C3888018, MONDO:0017182. Disease mechanism: loss of function.

Allele frequency attached by ClinVar (database versions not stated): TOPMed 0.00002; gnomAD exomes 0.00003.

Submissions (9):

Labcorp Genetics (formerly Invitae), Labcorp
Classification: Pathogenic. Last evaluated: 2025-12-30. Review status: criteria provided, single submitter. Criteria: Invitae Variant Classification Sherloc (09022015). Collection method: clinical testing. Allele origin: germline.
Comment: This sequence change creates a premature translational stop signal (p.Leu1170Argfs*38) in the ABCC8 gene. It is expected to result in an absent or disrupted protein product. Loss-of-function variants in ABCC8 are known to be pathogenic (PMID: 20685672, 23345197). This variant is not present in population databases (gnomAD no frequency). This premature translational stop signal has been observed in individuals with autosomal recessive congenital hyperinsulinism (PMID: 23275527, 24686051). This variant is also known as c.3512delT (p.Leu1171Argfs*38). ClinVar contains an entry for this variant (Variation ID: 157696). For these reasons, this variant has been classified as Pathogenic.

Natera, Inc.
Classification: Pathogenic for Hereditary hyperinsulinism. Last evaluated: 2025-08-04. Review status: criteria provided, single submitter. Criteria: Natera Variant Classification Schema (03/2026). Collection method: clinical testing. Allele origin: germline.
Comment: The c.3509delT variant in ABCC8 is a frameshift variant predicted to shift the reading frame beginning at codon 1170 and leads to a stop codon 38 codons downstream. This variant is expected to result in nonsense mediated decay, truncation, or a dysfunctional protein product. This variant is rare in the general population with a frequency below the threshold expected for the associated phenotype(s). This variant has been observed in one or more individuals affected with the associated recessive disease, as either homozygous or compound heterozygous with a second variant (PMID: 24686051). Given the available evidence, this variant is classified as Pathogenic.

Broad Center for Mendelian Genomics, Broad Institute of MIT and Harvard
Classification: Pathogenic for Hyperinsulinemic hypoglycemia, familial, 1. Last evaluated: 2025-04-24. Review status: criteria provided, single submitter. Criteria: ACMG Guidelines, 2015. Collection method: curation. Allele origin: germline. Inheritance: Autosomal recessive inheritance.
Comment: The p.Leu1170ArgfsTer variant in ABCC8 has been reported in at least 2 individuals with hyperinsulinemic hypoglycemia (PMID: 23275527, 23345197), and has been identified in 0.003% (40/1180002) of European (non-Finnish) chromosomes by the Genome Aggregation Database (gnomAD; dbSNP ID: rs587783169). Although this variant has been seen in the general population in a heterozygous state, its frequency is low enough to be consistent with a recessive carrier frequency. This variant has also been reported in ClinVar (VCV000157696.16) and has been interpreted as pathogenic by Genetic Services Laboratory (University of Chicago), Women's Health and Genetics/Laboratory Corporation of America (Labcorp), Counsyl, Baylor Genetics, Labcorp Genetics, and Natera Inc. Of the 2 affected individuals, both were compound heterozygotes that carried a reported pathogenic variants in trans, which increases the likelihood that the p.Leu1170ArgfsTer variant is pathogenic (PMID: 23275527, 23345197). This variant is predicted to cause a frameshift, which alters the protein’s amino acid sequence beginning at position 1170 and leads to a premature termination codon. This alteration is then predicted to lead to a truncated or absent protein. Loss of function of the ABCC8 gene is an established disease mechanism in autosomal recessive hyperinsulinemic hypoglycemia. In summary, this variant meets criteria to be classified as pathogenic for autosomal recessive hyperinsulinemic hypoglycemia. ACMG/AMP Criteria applied: PVS1, PM3_strong, PM2_supporting (Richards 2015).

Fulgent Genetics
Classification: Pathogenic for Type 2 diabetes mellitus; Leucine-induced hypoglycemia; Hyperinsulinemic hypoglycemia, familial, 1; Diabetes mellitus, transient neonatal, 2; Diabetes mellitus, permanent neonatal 3. Last evaluated: 2024-04-08. Review status: criteria provided, single submitter. Criteria: ACMG Guidelines, 2015. Collection method: clinical testing. Allele origin: germline.

Baylor Genetics
Classification: Pathogenic for Type 2 diabetes mellitus. Last evaluated: 2023-06-20. Review status: criteria provided, single submitter. Criteria: ACMG Guidelines, 2015. Collection method: clinical testing. Allele origin: unknown.

Women's Health and Genetics/Laboratory Corporation of America, LabCorp
Classification: Pathogenic for Familial hyperinsulinism. Last evaluated: 2020-07-23. Review status: criteria provided, single submitter. Criteria: LabCorp Variant Classification Summary - May 2015. Collection method: clinical testing. Allele origin: germline.
Comment: Variant summary: ABCC8 c.3509delT (p.Leu1170ArgfsX38) results in a premature termination codon, predicted to cause a truncation of the encoded protein or absence of the protein due to nonsense mediated decay, which are commonly known mechanisms for disease. Truncations downstream of this position have been classified as pathogenic by our laboratory. The variant was absent in 251406 control chromosomes (gnomAD). c.3509delT has been reported in the literature in multiple individuals affected with Congenital Hyperinsulinism (Calton_2012, Snider_2013, Kapoor_2013, Demirbilek_2014). These data indicate that the variant is very likely to be associated with disease. To our knowledge, no experimental evidence demonstrating an impact on protein function has been reported. Two ClinVar submitters (evaluation after 2014) cite the variant as pathogenic. Based on the evidence outlined above, the variant was classified as pathogenic.

Blueprint Genetics
Classification: Likely pathogenic for ABCC8-related disorders. Last evaluated: 2019-03-28. Review status: criteria provided, single submitter. Criteria: ACMG Guidelines, 2015. Collection method: clinical testing. Allele origin: germline. Affected: yes. Observed: 2 variant alleles.

Genetic Services Laboratory, University of Chicago
Classification: Pathogenic for Hyperinsulinemic hypoglycemia, familial, 1. Last evaluated: 2014-05-12. Review status: criteria provided, single submitter. Criteria: ACMG Guidelines, 2015. Collection method: clinical testing. Allele origin: germline. Inheritance: Autosomal unknown. Affected: yes.

Counsyl
Classification: Pathogenic for Hyperinsulinemic hypoglycemia, familial, 1. Last evaluated: 2018-03-05. Review status: no assertion criteria provided. Collection method: clinical testing. Allele origin: unknown. Not counted in ClinVar's aggregate classification.

Literature cited by the submitters: PubMed 20685672 (cited by Labcorp Genetics (formerly Invitae), Labcorp); PubMed 23345197 (cited by 4 submitters); PubMed 23275527 (cited by 4 submitters); PubMed 24686051 (cited by 4 submitters); PubMed 23261959 (cited by Women's Health and Genetics/Laboratory Corporation of America, LabCorp).

NM_000352.6(ABCC8):c.3509del (p.Leu1170fs)

Gene: ABCC8 (ATP binding cassette subfamily C member 8; minus strand). Cytogenetic location: 11p15.1.
Variant type: Deletion.
Coding change: c.3509del on transcript NM_000352.6 (MANE Select); coding-DNA position 3509, one base deleted (T; older notation c.3509delT).
Protein change: p.Leu1170fs; shifts the reading frame from leucine 1170.
Molecular consequence: frameshift variant. On other transcripts: non-coding transcript variant (1).
Genome position (GRCh38, 1-based): chr11:17,404,560, A deleted on the plus strand (T on the coding strand, the reverse complement: ABCC8 is on the minus strand). VCF-style (leftmost placement, unchanged base first): chr11-17404559-CA-C. GRCh37 (hg19) VCF-style: chr11-17426106-CA-C.
Other names: NM_000352.6(ABCC8):c.3509del; p.Leu1170fs; c.3509delT (NM_000352.4, NM_000352.3); c.3512del, p.Leu1171fs (NM_001287174.3); c.3575del, p.Leu1192fs (NM_001351295.2); c.3509del, p.Leu1170fs (NM_001351296.2); c.3506del, p.Leu1169fs (NM_001351297.2); short protein forms L1170fs, L1192fs, L1169fs, L1171fs.
Identifiers: ClinVar variation 157696 (VCV000157696.21), dbSNP rs587783169, ClinGen allele CA270976.